The following is an entry in ClinVar:

NM_001360.3(DHCR7):c.474G>A (p.Trp158Ter)

Gene: DHCR7 (7-dehydrocholesterol reductase; minus strand). Cytogenetic location: 11q13.4.
Variant type: single nucleotide variant.
Coding change: c.474G>A on transcript NM_001360.3 (MANE Select); coding-DNA position 474, G replaced by A.
Protein change: p.Trp158Ter; replaces tryptophan 158 with a stop codon.
Molecular consequence: nonsense.
Genome position (GRCh38, 1-based): chr11:71,441,379, C>T on the plus strand (G>A on the coding strand, the complement: DHCR7 is on the minus strand). VCF-style: chr11-71441379-C-T. GRCh37 (hg19) VCF-style: chr11-71152425-C-T.
Other names: c.474G>A, p.Trp158Ter (NM_001163817.2); short protein forms W158*.
Identifiers: ClinVar variation 2030429 (VCV002030429.4), dbSNP rs766443353, ClinGen allele CA381694605.

ClinVar aggregate classification (germline): Pathogenic (1 of 4 stars; one submission).

Conditions:
Smith-Lemli-Opitz syndrome (SLOS). Also called: POLYDACTYLY, SEX REVERSAL, RENAL HYPOPLASIA, AND UNILOBAR LUNG; RSH SYNDROME; RUTLEDGE LETHAL MULTIPLE CONGENITAL ANOMALY SYNDROME; 7-Dehydrocholesterol reductase deficiency; LETHAL ACRODYSGENITAL SYNDROME. Identifiers: Orphanet 818, MedGen C0175694, MONDO:0010035, OMIM 270400.

Submission:

Labcorp Genetics (formerly Invitae), Labcorp
Classification: Pathogenic for Smith-Lemli-Opitz syndrome. Last evaluated: 2023-09-21. Review status: criteria provided, single submitter. Criteria: Invitae Variant Classification Sherloc (09022015). Collection method: clinical testing. Allele origin: germline.
Comment: This sequence change creates a premature translational stop signal (p.Trp158*) in the DHCR7 gene. It is expected to result in an absent or disrupted protein product. Loss-of-function variants in DHCR7 are known to be pathogenic (PMID: 9634533, 10677299). This variant is not present in population databases (gnomAD no frequency). This variant has not been reported in the literature in individuals affected with DHCR7-related conditions. ClinVar contains an entry for this variant (Variation ID: 2030429). For these reasons, this variant has been classified as Pathogenic.

Literature cited by the submitters: PubMed 9634533; PubMed 10677299.